The following is an entry in ClinVar:

NM_152703.5(SAMD9L):c.2652A>C (p.Glu884Asp)

Gene: SAMD9L (sterile alpha motif domain containing 9 like; minus strand). Cytogenetic location: 7q21.2.
Variant type: single nucleotide variant.
Coding change: c.2652A>C on transcript NM_152703.5 (MANE Select); coding-DNA position 2652, A replaced by C.
Protein change: p.Glu884Asp; replaces glutamic acid 884 with aspartic acid.
Molecular consequence: missense variant.
Genome position (GRCh38, 1-based): chr7:93,133,320, T>G on the plus strand (A>C on the coding strand, the complement: SAMD9L is on the minus strand). VCF-style: chr7-93133320-T-G. GRCh37 (hg19) VCF-style: chr7-92762633-T-G.
Other names: c.2652A>C, p.Glu884Asp (NM_001303496.3, NM_001303497.3, NM_001303498.3 and 5 more transcripts); short protein forms E884D.
Identifiers: ClinVar variation 3792310 (VCV003792310.1).

ClinVar aggregate classification (germline): Uncertain significance (1 of 4 stars; one submission).

Conditions:
Inborn genetic diseases. Identifiers: MedGen C0950123, MeSH D030342.

Submission:

Ambry Genetics
Classification: Uncertain significance for Inborn genetic diseases. Last evaluated: 2025-01-13. Review status: criteria provided, single submitter. Criteria: Ambry Variant Classification Scheme 2023. Collection method: clinical testing. Allele origin: germline.
Comment: The p.E884D variant (also known as c.2652A>C), located in coding exon 1 of the SAMD9L gene, results from an A to C substitution at nucleotide position 2652. The glutamic acid at codon 884 is replaced by aspartic acid, an amino acid with highly similar properties. This amino acid position is conserved. In addition, this alteration is predicted to be tolerated by in silico analysis. Based on the available evidence, the clinical significance of this variant remains unclear.